The following is an entry in ClinVar:

NM_005271.5(GLUD1):c.1568G>T (p.Arg523Leu)

Gene: GLUD1 (glutamate dehydrogenase 1; minus strand). Cytogenetic location: 10q23.2.
Variant type: single nucleotide variant.
Coding change: c.1568G>T on transcript NM_005271.5 (MANE Select); coding-DNA position 1568, G replaced by T.
Protein change: p.Arg523Leu; replaces arginine 523 with leucine.
Molecular consequence: missense variant.
Genome position (GRCh38, 1-based): chr10:87,051,860, C>A on the plus strand (G>T on the coding strand, the complement: GLUD1 is on the minus strand). VCF-style: chr10-87051860-C-A. GRCh37 (hg19) VCF-style: chr10-88811617-C-A.
Other names: c.1169G>T, p.Arg390Leu (NM_001318900.1); c.1067G>T, p.Arg356Leu (NM_001318901.1, NM_001318902.1, NM_001318904.2 and 2 more transcripts); short protein forms R356L, R523L, R390L.
Identifiers: ClinVar variation 3687018 (VCV003687018.2).

ClinVar aggregate classification (germline): Uncertain significance (1 of 4 stars; one submission).

Conditions:
Hyperinsulinism-hyperammonemia syndrome (HHF6). Identifiers: Orphanet 35878, MedGen C1847555, MONDO:0011717, OMIM 606762.

Submission:

Labcorp Genetics (formerly Invitae), Labcorp
Classification: Uncertain significance for Hyperinsulinism-hyperammonemia syndrome. Last evaluated: 2024-08-12. Review status: criteria provided, single submitter. Criteria: Invitae Variant Classification Sherloc (09022015). Collection method: clinical testing. Allele origin: germline.
Comment: This sequence change replaces arginine, which is basic and polar, with leucine, which is neutral and non-polar, at codon 523 of the GLUD1 protein (p.Arg523Leu). This variant is not present in population databases (gnomAD no frequency). This variant has not been reported in the literature in individuals affected with GLUD1-related conditions. Advanced modeling of protein sequence and biophysical properties (such as structural, functional, and spatial information, amino acid conservation, physicochemical variation, residue mobility, and thermodynamic stability) performed at Invitae indicates that this missense variant is not expected to disrupt GLUD1 protein function with a negative predictive value of 80%. In summary, the available evidence is currently insufficient to determine the role of this variant in disease. Therefore, it has been classified as a Variant of Uncertain Significance.